The following is an entry in ClinVar:

ClinVar aggregate classification (germline): Benign/Likely benign. Review status: criteria provided, multiple submitters, no conflicts (2 of 4 stars). 4 submissions from 4 submitters: Benign (2); Likely benign (1). 1 of the submissions does not count toward it. Last evaluated 2026-02-01.

Conditions:
Hypotension. Also called: Hypotensive disorder; low blood pressure. Identifiers: MedGen C0020649, MONDO:0005468, HP:0002615, MeSH D007022.

Allele frequency attached by ClinVar (database versions not stated): 1000 Genomes Project 30x 0.07886; 1000 Genomes Project 0.07887; TOPMed 0.09879; gnomAD 0.09581 and 0.09330; ESP Exome Variant Server 0.10341.
gnomAD v4.1: 129,965 of 1,613,954 alleles (8.1%); highest among the groups gnomAD compares: African/African-American, 15%; 5,781 homozygotes.

Submissions (4):

Labcorp Genetics (formerly Invitae), Labcorp
Classification: Benign. Last evaluated: 2026-02-01. Review status: criteria provided, single submitter. Criteria: Invitae Variant Classification Sherloc (09022015). Collection method: clinical testing. Allele origin: germline.

Blueprint Genetics
Classification: Likely benign. Last evaluated: 2024-11-27. Review status: criteria provided, single submitter. Criteria: ACMG Guidelines, 2015. Collection method: clinical testing. Allele origin: germline.

Breakthrough Genomics
Classification: Benign. Review status: criteria provided, single submitter. Criteria: ACMG Guidelines, 2015. Collection method: not provided. Allele origin: germline. Inheritance: Autosomal dominant inheritance. Affected: yes.

Centre for molecular medicine, Karolinska Institutet
No classification provided. Condition: Hypotension. Review status: no classification provided. Collection method: not provided. Allele origin: not provided. Not counted in ClinVar's aggregate classification.
Comment: hold until published

NM_017637.6(BNC2):c.2478A>G (p.Leu826=)

Genes: BNC2 (basonuclin zinc finger protein 2; minus strand), LOC126860585 (MED14-independent group 3 enhancer GRCh37_chr9:16435259-16436458; plus strand). Cytogenetic location: 9p22.3.
Variant type: single nucleotide variant.
Coding change: c.2478A>G on transcript NM_017637.6 (MANE Select); coding-DNA position 2478, A replaced by G.
Protein change: p.Leu826=; no amino-acid change (leucine 826 retained).
Molecular consequence: synonymous variant.
Genome position (GRCh38, 1-based): chr9:16,435,716, T>C on the plus strand (A>G on the coding strand, the complement: BNC2 is on the minus strand). VCF-style: chr9-16435716-T-C. GRCh37 (hg19) VCF-style: chr9-16435714-T-C.
Other names: c.2352A>G, p.Leu784= (NM_001317939.2); c.2193A>G, p.Leu731= (NM_001317940.2).
Identifiers: ClinVar variation 120236 (VCV000120236.11), dbSNP rs3739715, ClinGen allele CA204330.